The following is an entry in ClinVar:

NM_001347721.2(DYRK1A):c.2106G>T (p.Glu702Asp)

Gene: DYRK1A (dual specificity tyrosine phosphorylation regulated kinase 1A; plus strand). Cytogenetic location: 21q22.13.
Variant type: single nucleotide variant.
Coding change: c.2106G>T on transcript NM_001347721.2 (MANE Select); coding-DNA position 2106, G replaced by T.
Protein change: p.Glu702Asp; replaces glutamic acid 702 with aspartic acid.
Molecular consequence: missense variant. On other transcripts: 3 prime UTR variant (2).
Genome position (GRCh38, 1-based): chr21:37,512,372, G>T. VCF-style: chr21-37512372-G-T. GRCh37 (hg19) VCF-style: chr21-38884675-G-T.
Other names: c.2106G>T, p.Glu702Asp (NM_001347722.2, NM_130436.2); c.2019G>T, p.Glu673Asp (NM_001347723.2); c.2133G>T, p.Glu711Asp (NM_001396.5); c.*509G>T (NM_101395.2); c.*418G>T (NM_130438.2); short protein forms E673D, E702D, E711D.
Identifiers: ClinVar variation 4883751 (VCV004883751.2).

ClinVar aggregate classification (germline): Uncertain significance (1 of 4 stars; one submission).

gnomAD v4.1: 2 of 1,614,240 alleles (0.00012%); highest among the groups gnomAD compares: Non-Finnish European, 0.00017%; no homozygotes.

Submission:

Dasa
Classification: Uncertain significance. Last evaluated: 2026-01-29. Review status: criteria provided, single submitter. Criteria: DASA Assertion Criteria. Collection method: clinical testing. Allele origin: germline.
Comment: NM_001347721.2(DYRK1A):c.2106G>T (p.Glu702Asp) is a missense variant that results in the substitution of glutamic acid with aspartic acid. This variant is rare in population databases. The currently available literature and clinical evidence are not sufficient to establish a definitive association between this variant and the reported condition. Therefore, this variant is classified as a variant of uncertain significance.